The following is an entry in ClinVar:

ClinVar aggregate classification (germline): Uncertain significance (1 of 4 stars; one submission).

Conditions:
Macrocephaly, dysmorphic facies, and psychomotor retardation (MDFPMR). Identifiers: Orphanet 457359, MedGen C4310766, MONDO:0014863, OMIM 617011.

Allele frequency attached by ClinVar (database versions not stated): gnomAD 0.00001; TOPMed 0.00001 and 0.00002.
gnomAD v4.1: 30 of 1,613,600 alleles (0.0019%); highest among the groups gnomAD compares: Non-Finnish European, 0.0025%; no homozygotes.

Submission:

Baylor Genetics
Classification: Uncertain significance for Macrocephaly, dysmorphic facies, and psychomotor retardation. Last evaluated: 2018-09-27. Review status: criteria provided, single submitter. Criteria: ACMG Guidelines, 2015. Collection method: clinical testing. Allele origin: unknown. Affected: yes.
Comment: This variant was determined to be of uncertain significance according to ACMG Guidelines, 2015 [PMID:25741868].

NM_003922.4(HERC1):c.1853A>C (p.Lys618Thr)

Gene: HERC1 (HECT and RLD domain containing E3 ubiquitin protein ligase family member 1; minus strand). Cytogenetic location: 15q22.31.
Variant type: single nucleotide variant.
Coding change: c.1853A>C on transcript NM_003922.4 (MANE Select); coding-DNA position 1853, A replaced by C.
Protein change: p.Lys618Thr; replaces lysine 618 with threonine.
Molecular consequence: missense variant.
Genome position (GRCh38, 1-based): chr15:63,753,007, T>G on the plus strand (A>C on the coding strand, the complement: HERC1 is on the minus strand). VCF-style: chr15-63753007-T-G. GRCh37 (hg19) VCF-style: chr15-64045206-T-G.
Other names: short protein forms K618T.
Identifiers: ClinVar variation 1031372 (VCV001031372.1), dbSNP rs200768642, ClinGen allele CA272106172.